The following is an entry in ClinVar:

NM_000222.3(KIT):c.1106G>A (p.Ser369Asn)

Gene: KIT (KIT proto-oncogene, receptor tyrosine kinase; plus strand). Cytogenetic location: 4q12.
Variant type: single nucleotide variant.
Coding change: c.1106G>A on transcript NM_000222.3 (MANE Select); coding-DNA position 1106, G replaced by A.
Protein change: p.Ser369Asn; replaces serine 369 with asparagine.
Molecular consequence: missense variant.
Genome position (GRCh38, 1-based): chr4:54,707,278, G>A. VCF-style: chr4-54707278-G-A. GRCh37 (hg19) VCF-style: chr4-55573444-G-A.
Other names: c.1106G>A, p.Ser369Asn (NM_001093772.2, NM_001385285.1, NM_001385286.1); c.1109G>A, p.Ser370Asn (NM_001385284.1, NM_001385288.1, NM_001385290.1 and 1 more transcripts); short protein forms S369N, S370N.
Identifiers: ClinVar variation 949270 (VCV000949270.12), dbSNP rs746884875, ClinGen allele CA2923364.

ClinVar aggregate classification (germline): Uncertain significance. Review status: criteria provided, multiple submitters, no conflicts (2 of 4 stars). 2 submissions from 2 submitters: Uncertain significance (2). Last evaluated 2024-03-21.

Conditions:
Gastrointestinal stromal tumor. Also called: Gastrointestinal stromal tumor, somatic; Gastrointestinal stroma tumor. Identifiers: Orphanet 44890, MedGen C0238198, MeSH D046152, MONDO:0011719, OMIM 606764, HP:0100723.
Hereditary cancer-predisposing syndrome. Also called: Hereditary neoplastic syndrome; Neoplastic Syndromes, Hereditary; Hereditary Cancer Syndrome; Tumor predisposition. Identifiers: Orphanet 140162, MedGen C0027672, MeSH D009386, MONDO:0015356.

Allele frequency attached by ClinVar (database versions not stated): gnomAD exomes below 0.00001; ExAC 0.00001; TOPMed 0.00001.
gnomAD v4.1: 2 of 1,606,736 alleles (0.00012%); highest among the groups gnomAD compares: Admixed American, 0.0017%; no homozygotes.

Submissions (2):

Labcorp Genetics (formerly Invitae), Labcorp
Classification: Uncertain significance for Gastrointestinal stromal tumor. Last evaluated: 2024-03-21. Review status: criteria provided, single submitter. Criteria: Invitae Variant Classification Sherloc (09022015). Collection method: clinical testing. Allele origin: germline.
Comment: This sequence change replaces serine, which is neutral and polar, with asparagine, which is neutral and polar, at codon 369 of the KIT protein (p.Ser369Asn). This variant is present in population databases (rs746884875, gnomAD 0.003%). This variant has not been reported in the literature in individuals affected with KIT-related conditions. ClinVar contains an entry for this variant (Variation ID: 949270). An algorithm developed to predict the effect of missense changes on protein structure and function (PolyPhen-2) suggests that this variant is likely to be tolerated. In summary, the available evidence is currently insufficient to determine the role of this variant in disease. Therefore, it has been classified as a Variant of Uncertain Significance.

Ambry Genetics
Classification: Uncertain significance for Hereditary cancer-predisposing syndrome. Last evaluated: 2024-01-09. Review status: criteria provided, single submitter. Criteria: Ambry Variant Classification Scheme 2023. Collection method: clinical testing. Allele origin: germline.
Comment: The p.S369N variant (also known as c.1106G>A), located in coding exon 6 of the KIT gene, results from a G to A substitution at nucleotide position 1106. The serine at codon 369 is replaced by asparagine, an amino acid with highly similar properties. This amino acid position is conserved. In addition, this alteration is predicted to be tolerated by in silico analysis. Since supporting evidence is limited at this time, the clinical significance of this alteration remains unclear.